The following is an entry in ClinVar:

NM_001145809.2(MYH14):c.3945G>A (p.Leu1315=)

Gene: MYH14 (myosin heavy chain 14; plus strand). Cytogenetic location: 19q13.33.
Variant type: single nucleotide variant.
Coding change: c.3945G>A on transcript NM_001145809.2 (MANE Select); coding-DNA position 3945, G replaced by A.
Protein change: p.Leu1315=; no amino-acid change (leucine 1315 retained).
Molecular consequence: synonymous variant.
Genome position (GRCh38, 1-based): chr19:50,278,202, G>A. VCF-style: chr19-50278202-G-A. GRCh37 (hg19) VCF-style: chr19-50781459-G-A.
Other names: c.3846G>A, p.Leu1282= (NM_001077186.2); c.3822G>A, p.Leu1274= (NM_024729.4).
Identifiers: ClinVar variation 329937 (VCV000329937.8), dbSNP rs769999356, ClinGen allele CA9593379.

ClinVar aggregate classification (germline): Conflicting classifications of pathogenicity. Review status: criteria provided, conflicting classifications (1 of 4 stars). 3 submissions from 3 submitters: Uncertain significance (1); Likely benign (2). Last evaluated 2025-09-01.

Conditions:
Autosomal dominant nonsyndromic hearing loss 4A. Also called: Deafness, autosomal dominant 4A. Identifiers: Orphanet 90635, MedGen C1833503, MONDO:0010915, OMIM 600652.

Allele frequency attached by ClinVar (database versions not stated): ExAC 0.00001; gnomAD 0.00001; gnomAD exomes 0.00001 and 0.00002; TOPMed 0.00001.
gnomAD v4.1: 14 of 1,609,438 alleles (0.00087%); highest among the groups gnomAD compares: Admixed American, 0.01%; no homozygotes.

Submissions (3):

Labcorp Genetics (formerly Invitae), Labcorp
Classification: Likely benign. Last evaluated: 2025-09-01. Review status: criteria provided, single submitter. Criteria: Invitae Variant Classification Sherloc (09022015). Collection method: clinical testing. Allele origin: germline.

GeneDx
Classification: Likely benign. Last evaluated: 2025-07-11. Review status: criteria provided, single submitter. Criteria: GeneDx Variant Classification Process June 2021. Collection method: clinical testing. Allele origin: germline.
Comment: See Variant Classification Assertion Criteria.

Illumina Laboratory Services, Illumina
Classification: Uncertain significance for Autosomal dominant nonsyndromic hearing loss 4A. Last evaluated: 2018-01-12. Review status: criteria provided, single submitter. Criteria: ICSL Variant Classification Criteria 13 December 2019. Collection method: clinical testing. Allele origin: germline.